The following is an entry in ClinVar:

ClinVar aggregate classification (germline): Conflicting classifications of pathogenicity. Review status: criteria provided, conflicting classifications (1 of 4 stars). 7 submissions from 7 submitters: Uncertain significance (5); Benign (1); Likely benign (1). Last evaluated 2026-04-25.

Conditions:
MET-related disorder. Also called: MET-related condition.
Renal cell carcinoma. Identifiers: Orphanet 217071, MedGen C0007134, MeSH D002292, MONDO:0005086, HP:0005584.
Autosomal recessive nonsyndromic hearing loss 97. Also called: Deafness, autosomal recessive 97. Identifiers: Orphanet 90636, MedGen C4084709, MONDO:0014739, OMIM 616705.
Hereditary cancer-predisposing syndrome. Also called: Neoplastic Syndromes, Hereditary; Tumor predisposition; Hereditary Cancer Syndrome; Hereditary neoplastic syndrome. Identifiers: Orphanet 140162, MedGen C0027672, MeSH D009386, MONDO:0015356.
Papillary renal cell carcinoma type 1 (RCCP1). Also called: RENAL CELL CARCINOMA, PAPILLARY, 1, SOMATIC; Renal adenocarcinoma; Renal cell carcinoma 1; Renal cell carcinoma, somatic. Identifiers: Orphanet 47044, MedGen C1336839, OMIM 605074, HP:0011797.

Allele frequency attached by ClinVar (database versions not stated): gnomAD exomes 0.00001 and 0.00002; gnomAD 0.00003 and 0.00005; ExAC 0.00005; TOPMed 0.00006; ESP Exome Variant Server 0.00008.
gnomAD v4.1: 27 of 1,613,978 alleles (0.0017%); highest among the groups gnomAD compares: Middle Eastern, 0.066%; no homozygotes.

Submissions (7):

PreventionGenetics, part of Exact Sciences
Classification: Uncertain significance for MET-related condition. Last evaluated: 2026-04-25. Review status: criteria provided, single submitter. Criteria: ACMG Guidelines, 2015. Collection method: clinical testing. Allele origin: germline.
Comment: The MET c.4061G>A variant is predicted to result in the amino acid substitution p.Arg1354Gln. To our knowledge, this variant has not been reported in the literature. This variant is reported in 0.019% of alleles in individuals of African descent in gnomAD and has conflicting interpretations of pathogenicity in ClinVar ranging from uncertain significance to benign (Variation ID: 135968). At this time, the clinical significance of this variant is uncertain due to the absence of conclusive functional and genetic evidence.

Labcorp Genetics (formerly Invitae), Labcorp
Classification: Likely benign for Renal cell carcinoma. Last evaluated: 2026-01-04. Review status: criteria provided, single submitter. Criteria: Invitae Variant Classification Sherloc (09022015). Collection method: clinical testing. Allele origin: germline.

Ambry Genetics
Classification: Benign for Hereditary cancer-predisposing syndrome. Last evaluated: 2025-11-24. Review status: criteria provided, single submitter. Criteria: Ambry Variant Classification Scheme 2023. Collection method: clinical testing. Allele origin: germline.

Center for Genomic Medicine, Rigshospitalet, Copenhagen University Hospital
Classification: Uncertain significance. Last evaluated: 2025-03-04. Review status: criteria provided, single submitter. Criteria: ACMG Guidelines, 2015. Collection method: clinical testing. Allele origin: germline.

GeneDx
Classification: Uncertain significance. Last evaluated: 2024-08-06. Review status: criteria provided, single submitter. Criteria: GeneDx Variant Classification Process June 2021. Collection method: clinical testing. Allele origin: germline. Affected: yes.
Comment: In silico analysis supports that this missense variant does not alter protein structure/function; Has not been previously published as pathogenic or benign to our knowledge; This variant is associated with the following publications: (PMID: 29484624)

Baylor Genetics
Classification: Uncertain significance for Autosomal recessive nonsyndromic hearing loss 97. Last evaluated: 2024-03-08. Review status: criteria provided, single submitter. Criteria: ACMG Guidelines, 2015. Collection method: clinical testing. Allele origin: unknown.

Mendelics
Classification: Uncertain significance for Renal cell carcinoma, papillary, 1. Last evaluated: 2018-07-02. Review status: criteria provided, single submitter. Criteria: Mendelics Assertion Criteria 2017. Collection method: clinical testing. Allele origin: unknown.

NM_000245.4(MET):c.4007G>A (p.Arg1336Gln)

Gene: MET (MET proto-oncogene, receptor tyrosine kinase; plus strand). Cytogenetic location: 7q31.2.
Variant type: single nucleotide variant.
Coding change: c.4007G>A on transcript NM_000245.4 (MANE Select); coding-DNA position 4007, G replaced by A.
Protein change: p.Arg1336Gln; replaces arginine 1336 with glutamine.
Molecular consequence: missense variant.
Genome position (GRCh38, 1-based): chr7:116,795,958, G>A. VCF-style: chr7-116795958-G-A. GRCh37 (hg19) VCF-style: chr7-116436012-G-A.
Other names: c.4061G>A (NM_001127500.2); c.4061G>A, p.Arg1354Gln (NM_001127500.3); c.2717G>A, p.Arg906Gln (NM_001324402.2); short protein forms R1354Q, R1336Q, R906Q.
Identifiers: ClinVar variation 135968 (VCV000135968.25), dbSNP rs369312680, ClinGen allele CA332674.
Genomic context (GRCh38, chr7:116,795,958, plus strand): 5'-TGCTAAAATGCTGGCACCCTAAAGCCGAAATGCGCCCATCCTTTTCTGAACTGGTGTCCC[G>A]GATATCAGCGATCTTCTCTACTTTCATTGGGGAGCACTATGTCCATGTGAACGCTACTTA-3'
Protein context (NP_000236.2, residues 1326-1346): MRPSFSELVS[Arg1336Gln]ISAIFSTFIG